The following is an entry in ClinVar:

ClinVar aggregate classification (germline): Uncertain significance (1 of 4 stars; one submission).

gnomAD v4.1: 1 of 1,613,100 alleles (0.000062%); highest among the groups gnomAD compares: Non-Finnish European, 0.000085%; no homozygotes.

Submission:

Women's Health and Genetics/Laboratory Corporation of America, LabCorp
Classification: Uncertain significance. Last evaluated: 2024-11-08. Review status: criteria provided, single submitter. Criteria: LabCorp Variant Classification Summary - May 2015. Collection method: clinical testing. Allele origin: germline.
Comment: Variant summary: ADGRV1 c.3268A>G (p.Ile1090Val) results in a conservative amino acid change located in the Domains in Na-Ca exchangers and integrin-beta4 (IPR003644) of the encoded protein sequence. Four of five in-silico tools predict a benign effect of the variant on protein function. The variant was absent in 248296 control chromosomes (gnomAD). The available data on variant occurrences in the general population are insufficient to allow any conclusion about variant significance. c.3268A>G has been reported in the literature in individuals affected with early onset absence epilepsy and intellectual disability (Myers_2018 and Liu_2021). These reports do not provide unequivocal conclusions about association of the variant with Usher Syndrome. To our knowledge, no experimental evidence demonstrating an impact on protein function has been reported. The following publications have been ascertained in the context of this evaluation (PMID: 34744978, 34160719, 29266188, 35813073). No submitters have cited clinical-significance assessments for this variant to ClinVar. Based on the evidence outlined above, the variant was classified as uncertain significance.

Literature cited by the submitters: PubMed 35813073; PubMed 34744978; PubMed 34160719; PubMed 29266188.

NM_032119.4(ADGRV1):c.3268A>G (p.Ile1090Val)

Gene: ADGRV1 (adhesion G protein-coupled receptor V1; plus strand). Cytogenetic location: 5q14.3.
Variant type: single nucleotide variant.
Coding change: c.3268A>G on transcript NM_032119.4 (MANE Select); coding-DNA position 3268, A replaced by G.
Protein change: p.Ile1090Val; replaces isoleucine 1090 with valine.
Molecular consequence: missense variant. On other transcripts: non-coding transcript variant (1).
Genome position (GRCh38, 1-based): chr5:90,647,743, A>G. VCF-style: chr5-90647743-A-G. GRCh37 (hg19) VCF-style: chr5-89943560-A-G.
Other names: short protein forms I1090V.
Identifiers: ClinVar variation 3629744 (VCV003629744.1).